The following is an entry in ClinVar:

ClinVar aggregate classification (germline): Uncertain significance (1 of 4 stars; one submission).

Submission:

GeneDx
Classification: Uncertain significance. Last evaluated: 2022-09-16. Review status: criteria provided, single submitter. Criteria: GeneDx Variant Classification Process June 2021. Collection method: clinical testing. Allele origin: germline. Affected: yes.
Comment: Not observed at significant frequency in large population cohorts (gnomAD); In silico analysis supports that this missense variant has a deleterious effect on protein structure/function; Has not been previously published as pathogenic or benign to our knowledge

NM_000260.4(MYO7A):c.5368C>A (p.Arg1790Ser)

Gene: MYO7A (myosin VIIA; plus strand). Cytogenetic location: 11q13.5.
Variant type: single nucleotide variant.
Coding change: c.5368C>A on transcript NM_000260.4 (MANE Select); coding-DNA position 5368, C replaced by A.
Protein change: p.Arg1790Ser; replaces arginine 1790 with serine.
Molecular consequence: missense variant.
Genome position (GRCh38, 1-based): chr11:77,204,117, C>A. VCF-style: chr11-77204117-C-A. GRCh37 (hg19) VCF-style: chr11-76915162-C-A.
Other names: c.5254C>A, p.Arg1752Ser (NM_001127180.2); c.5221C>A, p.Arg1741Ser (NM_001369365.1); short protein forms R1741S, R1752S, R1790S.
Identifiers: ClinVar variation 2444846 (VCV002444846.1), dbSNP rs777954362, ClinGen allele CA381952577.